The following is an entry in ClinVar:

NM_004082.5(DCTN1):c.605C>T (p.Thr202Ile)

Gene: DCTN1 (dynactin subunit 1; minus strand). Cytogenetic location: 2p13.1.
Variant type: single nucleotide variant.
Coding change: c.605C>T on transcript NM_004082.5 (MANE Select); coding-DNA position 605, C replaced by T.
Protein change: p.Thr202Ile; replaces threonine 202 with isoleucine.
Molecular consequence: missense variant. On other transcripts: non-coding transcript variant (1).
Genome position (GRCh38, 1-based): chr2:74,371,577, G>A on the plus strand (C>T on the coding strand, the complement: DCTN1 is on the minus strand). VCF-style: chr2-74371577-G-A. GRCh37 (hg19) VCF-style: chr2-74598704-G-A.
Other names: c.545C>T, p.Thr182Ile (NM_001135040.3); c.203C>T, p.Thr68Ile (NM_001135041.3, NM_023019.4); c.494C>T, p.Thr165Ile (NM_001190836.2); c.584C>T, p.Thr195Ile (NM_001190837.2); c.554C>T, p.Thr185Ile (NM_001378991.1); c.536C>T, p.Thr179Ile (NM_001378992.1); short protein forms T165I, T179I, T182I, T185I, T195I, T68I, T202I.
Identifiers: ClinVar variation 2950192 (VCV002950192.3), dbSNP rs1478045316, ClinGen allele CA347366920.

ClinVar aggregate classification (germline): Uncertain significance (1 of 4 stars; one submission).

Conditions:
Amyotrophic lateral sclerosis type 1 (ALS1). Also called: AMYOTROPHIC LATERAL SCLEROSIS 1, FAMILIAL. Identifiers: Orphanet 803, MedGen C1862939, MONDO:0007103, OMIM 105400.
Neuronopathy, distal hereditary motor, type 7B. Also called: HMN VIIB; LOWER MOTOR NEURON DISEASE, DYNACTIN TYPE; NEURONOPATHY, DISTAL HEREDITARY MOTOR, AUTOSOMAL DOMINANT 14; NEURONOPATHY, DISTAL HEREDITARY MOTOR, HARDING TYPE VIIB; NEUROPATHY, DISTAL HEREDITARY MOTOR, HARDING TYPE VIIB; NEUROPATHY, DISTAL HEREDITARY MOTOR, WITH VOCAL CORD PARALYSIS, HARDING TYPE VIIB. Identifiers: Orphanet 139589, MedGen C1843315, MONDO:0011879, OMIM 607641.
Perry syndrome. Also called: PARKINSONISM WITH ALVEOLAR HYPOVENTILATION AND MENTAL DEPRESSION. Identifiers: Orphanet 178509, MedGen C1868594, MONDO:0008201, OMIM 168605.

Allele frequency attached by ClinVar (database versions not stated): gnomAD exomes below 0.00001.
gnomAD v4.1: 2 of 1,586,048 alleles (0.00013%); highest among the groups gnomAD compares: Non-Finnish European, 0.00017%; no homozygotes.

Submission:

Labcorp Genetics (formerly Invitae), Labcorp
Classification: Uncertain significance for Amyotrophic lateral sclerosis type 1; Neuronopathy, distal hereditary motor, type 7B; Perry syndrome. Last evaluated: 2023-07-22. Review status: criteria provided, single submitter. Criteria: Invitae Variant Classification Sherloc (09022015). Collection method: clinical testing. Allele origin: germline.
Comment: In summary, the available evidence is currently insufficient to determine the role of this variant in disease. Therefore, it has been classified as a Variant of Uncertain Significance. Advanced modeling of protein sequence and biophysical properties (such as structural, functional, and spatial information, amino acid conservation, physicochemical variation, residue mobility, and thermodynamic stability) performed at Invitae indicates that this missense variant is not expected to disrupt DCTN1 protein function. This variant has not been reported in the literature in individuals affected with DCTN1-related conditions. The frequency data for this variant in the population databases is considered unreliable, as metrics indicate poor data quality at this position in the gnomAD database. This sequence change replaces threonine, which is neutral and polar, with isoleucine, which is neutral and non-polar, at codon 202 of the DCTN1 protein (p.Thr202Ile).